The following continues an entry in ClinVar:

NM_000535.7(PMS2):c.2347G>A (p.Val783Ile)

Gene: PMS2. ClinVar aggregate classification (germline): Conflicting classifications of pathogenicity. Uncertain significance (11); Likely benign (2).

Submissions 11 to 15 of 15:

Sema4
Classification: Uncertain significance for Hereditary cancer-predisposing syndrome. Last evaluated: 2021-12-17. Review status: criteria provided, single submitter. Criteria: Sema4 Curation Guidelines. Collection method: curation. Allele origin: germline.
Comment: The PMS2 c.2347G>A (p.V783I) variant has been reported in heterozygosity in at least 1 individual who underwent Lynch syndrome testing (PMID: 25980754). It has been reported in a large case-control study of breast cancer in 1/60466 cases and 0/53461 controls (PMID: 33471991). It was observed in 6/30514 chromosomes of the South Asian (SAS) subpopulation in the large and broad cohorts of the Genome Aggregation Database (PMID: 32461654). This variant has been reported in ClinVar (Variation ID 185820). In silico tools suggest the impact of the variant on protein function is benign, though these predictions have not been confirmed by functional studies. The evidence is insufficient to meet ACMG/AMP criteria for classifying the variant as benign or pathogenic. Thus, the clinical significance of this variant is currently uncertain.

Mendelics
Classification: Uncertain significance for Lynch syndrome 4. Last evaluated: 2019-05-28. Review status: criteria provided, single submitter. Criteria: Mendelics Assertion Criteria 2017. Collection method: clinical testing. Allele origin: unknown.

Ambry Genetics
Classification: Likely benign for Hereditary cancer-predisposing syndrome. Last evaluated: 2018-09-29. Review status: criteria provided, single submitter. Criteria: Ambry Variant Classification Scheme 2023. Collection method: clinical testing. Allele origin: germline.

Counsyl
Classification: Uncertain significance for Lynch syndrome 4. Last evaluated: 2017-07-07. Review status: no assertion criteria provided. Collection method: clinical testing. Allele origin: unknown. Not counted in ClinVar's aggregate classification.

Department of Pathology and Laboratory Medicine, Sinai Health System
Classification: Likely benign for Lynch syndrome. Review status: no assertion criteria provided. Collection method: clinical testing. Allele origin: unknown. Affected: yes. Study: The Canadian Open Genetics Repository (COGR). Not counted in ClinVar's aggregate classification.
Comment: The PMS2 p.Val783Ile variant was identified in 1 of 2520 proband chromosomes (frequency: 0.0004) from individuals or families with a history of a Lynch syndrome-related cancer and/or polyps (Yurgelun_2015_25980754). The variant was also identified in dbSNP (ID: rs553286217) â€šÃ„ÃºWith Uncertain significance alleleâ€šÃ„Ã¹, ClinVar (classified likely benign by Ambry Genetics and uncertain significance by GeneDx, Invitae and Quest Diagnostics Nichols Institute San Juan Capistrano), Clinvitae (3x), and was not identified in the COGR, Cosmic, MutDB, Insight Colon Cancer Gene Variant Database, Zhejiang Colon Cancer Database, Mismatch Repair Genes Variant Database, or the Insight Hereditary Tumors Database. The variant was identified in control databases in 16 of 275380 chromosomes at a frequency of 0.00006 (Genome Aggregation Database Feb 27, 2017). It was observed in the following populations: African in 1 of 23840 chromosomes (freq: 0.00004), European Non-Finnish in 8 of 125530 chromosomes (freq: 0.00006), East Asian in 1 of 18756 chromosomes (freq: 0.00005), and South Asian in 6 of 30682 chromosomes (freq: 0.0002); it was not observed in the â€šÃ„ÃºOtherâ€šÃ„Ã¹, Latino, Ashkenazi Jewish, or European Finnish populations. The variant was also identified as a somatic mutation in a MSI-H/ MSH6 deficient CRC of a proband carrying a pathogenic germline MSH6 variant (c.3939_3957dup19 (p.Arg1318fs)) (Nowak_2017_ 27863258). The p.Val783 residue is not conserved in mammals and computational analyses (PolyPhen-2, SIFT, AlignGVGD, BLOSUM, MutationTaster) do not suggest a high likelihood the variant Ile impacts the protein; however, this information is not predictive enough to rule out pathogenicity. The variant occurs outside of the splicing consensus sequence and in silico or computational prediction software programs (SpliceSiteFinder, MaxEntScan, NNSPLICE, GeneSplicer, HumanSpliceFinder) do not predict a difference in splicing. In summary, based on the above information this variant meets our laboratory's criteria to be classified as likely benign.

Literature cited by the submitters: PubMed 25980754 (cited by 6 submitters); PubMed 27863258 (cited by 3 submitters); PubMed 35449176 (cited by Women's Health and Genetics/Laboratory Corporation of America, LabCorp and Quest Diagnostics Nichols Institute San Juan Capistrano); PubMed 22949387 (cited by Quest Diagnostics Nichols Institute San Juan Capistrano); PubMed 33471991 (cited by Color Diagnostics, LLC DBA Color Health and Sema4); PubMed 34178123 (cited by Color Diagnostics, LLC DBA Color Health).